The following is an entry in ClinVar:

NM_002234.4(KCNA5):c.1184C>T (p.Ser395Phe)

Gene: KCNA5 (potassium voltage-gated channel subfamily A member 5; plus strand). Cytogenetic location: 12p13.32.
Variant type: single nucleotide variant.
Coding change: c.1184C>T on transcript NM_002234.4 (MANE Select); coding-DNA position 1184, C replaced by T.
Protein change: p.Ser395Phe; replaces serine 395 with phenylalanine.
Molecular consequence: missense variant.
Genome position (GRCh38, 1-based): chr12:5,045,331, C>T. VCF-style: chr12-5045331-C-T. GRCh37 (hg19) VCF-style: chr12-5154497-C-T.
Other names: short protein forms S395F.
Identifiers: ClinVar variation 2751949 (VCV002751949.3), dbSNP rs781505066, ClinGen allele CA6399817.

ClinVar aggregate classification (germline): Uncertain significance (1 of 4 stars; one submission).

Conditions:
Atrial fibrillation, familial, 7 (ATFB7). Identifiers: MedGen C2677106, MONDO:0012828, OMIM 612240.

Allele frequency attached by ClinVar (database versions not stated): gnomAD exomes below 0.00001; ExAC 0.00001.

Submission:

Labcorp Genetics (formerly Invitae), Labcorp
Classification: Uncertain significance for Atrial fibrillation, familial, 7. Last evaluated: 2023-01-03. Review status: criteria provided, single submitter. Criteria: Invitae Variant Classification Sherloc (09022015). Collection method: clinical testing. Allele origin: germline.
Comment: Advanced modeling of protein sequence and biophysical properties (such as structural, functional, and spatial information, amino acid conservation, physicochemical variation, residue mobility, and thermodynamic stability) performed at Invitae indicates that this missense variant is expected to disrupt KCNA5 protein function. This variant has not been reported in the literature in individuals affected with KCNA5-related conditions. The frequency data for this variant in the population databases is considered unreliable, as metrics indicate poor data quality at this position in the gnomAD database. This sequence change replaces serine, which is neutral and polar, with phenylalanine, which is neutral and non-polar, at codon 395 of the KCNA5 protein (p.Ser395Phe). In summary, the available evidence is currently insufficient to determine the role of this variant in disease. Therefore, it has been classified as a Variant of Uncertain Significance.